The following is an entry in ClinVar:

NM_016239.4(MYO15A):c.2825C>T (p.Pro942Leu)

Gene: MYO15A (myosin XVA; plus strand). Cytogenetic location: 17p11.2.
Variant type: single nucleotide variant.
Coding change: c.2825C>T on transcript NM_016239.4 (MANE Select); coding-DNA position 2825, C replaced by T.
Protein change: p.Pro942Leu; replaces proline 942 with leucine.
Molecular consequence: missense variant.
Genome position (GRCh38, 1-based): chr17:18,121,625, C>T. VCF-style: chr17-18121625-C-T. GRCh37 (hg19) VCF-style: chr17-18024939-C-T.
Other names: short protein forms P942L.
Identifiers: ClinVar variation 1896312 (VCV001896312.3), dbSNP rs758173364, ClinGen allele CA8423313.

ClinVar aggregate classification (germline): Uncertain significance. Review status: criteria provided, multiple submitters, no conflicts (2 of 4 stars). 2 submissions from 2 submitters: Uncertain significance (2). Last evaluated 2022-12-15.

Conditions:
Inborn genetic diseases. Identifiers: MedGen C0950123, MeSH D030342.

Allele frequency attached by ClinVar (database versions not stated): ExAC 0.00001; gnomAD exomes 0.00001; TOPMed 0.00002; gnomAD 0.00003.
gnomAD v4.1: 9 of 1,602,998 alleles (0.00056%); highest among the groups gnomAD compares: Admixed American, 0.0067%; no homozygotes.

Submissions (2):

Ambry Genetics
Classification: Uncertain significance for Inborn genetic diseases. Last evaluated: 2022-12-15. Review status: criteria provided, single submitter. Criteria: Ambry Variant Classification Scheme 2023. Collection method: clinical testing. Allele origin: germline.

Labcorp Genetics (formerly Invitae), Labcorp
Classification: Uncertain significance. Last evaluated: 2022-06-26. Review status: criteria provided, single submitter. Criteria: Invitae Variant Classification Sherloc (09022015). Collection method: clinical testing. Allele origin: germline.
Comment: This sequence change replaces proline, which is neutral and non-polar, with leucine, which is neutral and non-polar, at codon 942 of the MYO15A protein (p.Pro942Leu). This variant is present in population databases (rs758173364, gnomAD 0.006%). This variant has not been reported in the literature in individuals affected with MYO15A-related conditions. Algorithms developed to predict the effect of missense changes on protein structure and function are either unavailable or do not agree on the potential impact of this missense change (SIFT: "Deleterious"; PolyPhen-2: "Not Available"; Align-GVGD: "Class C65"). In summary, the available evidence is currently insufficient to determine the role of this variant in disease. Therefore, it has been classified as a Variant of Uncertain Significance.